The following is an entry in ClinVar:

NM_001813.3(CENPE):c.1020T>C (p.Thr340=)

Gene: CENPE (centromere protein E; minus strand). Cytogenetic location: 4q24.
Variant type: single nucleotide variant.
Coding change: c.1020T>C on transcript NM_001813.3 (MANE Select); coding-DNA position 1020, T replaced by C.
Protein change: p.Thr340=; no amino-acid change (threonine 340 retained).
Molecular consequence: synonymous variant.
Genome position (GRCh38, 1-based): chr4:103,181,400, A>G on the plus strand (T>C on the coding strand, the complement: CENPE is on the minus strand). VCF-style: chr4-103181400-A-G. GRCh37 (hg19) VCF-style: chr4-104102557-A-G.
Other names: c.1020T>C, p.Thr340= (NM_001286734.2).
Identifiers: ClinVar variation 3058076 (VCV003058076.12), dbSNP rs191402905, ClinGen allele CA3030603.
Genomic context (GRCh38, chr4:103,181,400, plus strand): 5'-CTCTAATTGTTTTTTAAGATCCATTATTTCTTTTCTATACCTTTTCAGGAGAGCTTCATC[A>G]GTTGATACCTCATTAACATAAGGAGTATTCTTCATATATTTAGCAGTACTGGCAAACTGG-3'
Protein context (NP_001804.2, residues 330-350): KNTPYVNEVS[Thr340=]DEALLKRYRK

ClinVar aggregate classification (germline): Likely benign. Review status: criteria provided, single submitter (1 of 4 stars). 2 submissions from 2 submitters: Likely benign (1). 1 of the submissions does not count toward it. Last evaluated 2025-05-01.

Conditions:
CENPE-related disorder. Also called: CENPE-related condition.

Allele frequency attached by ClinVar (database versions not stated): gnomAD exomes 0.00005; gnomAD 0.00007; TOPMed 0.00012; ExAC 0.00022; 1000 Genomes Project 0.00140; 1000 Genomes Project 30x 0.00141.
gnomAD v4.1: 83 of 1,568,482 alleles (0.0053%); highest among the groups gnomAD compares: East Asian, 0.18%; no homozygotes.

Submissions (2):

CeGaT Center for Human Genetics Tuebingen
Classification: Likely benign. Last evaluated: 2025-05-01. Review status: criteria provided, single submitter. Criteria: CeGaT Center For Human Genetics Tuebingen Variant Classification Criteria Version 2. Collection method: clinical testing. Allele origin: germline. Affected: yes. Observed: 1 variant allele.
Comment: CENPE: BP4, BP7

PreventionGenetics, part of Exact Sciences
Classification: Likely benign for CENPE-related condition. Last evaluated: 2020-05-11. Review status: no assertion criteria provided. Collection method: clinical testing. Allele origin: germline. Not counted in ClinVar's aggregate classification.
Comment: This variant is classified as likely benign based on ACMG/AMP sequence variant interpretation guidelines (Richards et al. 2015 PMID: 25741868, with internal and published modifications).